The following is an entry in ClinVar:

NC_000020.10:g.(?_1959404)_(1974705_?)dup

Gene: PDYN (prodynorphin; minus strand). Cytogenetic location: 20p13.
Variant type: Duplication.
Identifiers: ClinVar variation 4536758 (VCV004536758.1).

ClinVar aggregate classification (germline): Uncertain significance (1 of 4 stars; one submission).

Submission:

Women's Health and Genetics/Laboratory Corporation of America, LabCorp
Classification: Uncertain significance. Last evaluated: 2025-11-13. Review status: criteria provided, single submitter. Criteria: LabCorp Variant Classification Summary - May 2015. Collection method: clinical testing. Allele origin: germline.
Comment: Variant summary: The variant involves the duplication of exons 1-4 in the PDYN gene. This duplication includes the entire coding sequence of the gene. As exact breakpoints are unknown, it may extend beyond the annotated region of the gene, to include other flanking genes. A presumed nomenclature of c.(?_-228)_(*1565_?)dup has been designated for the purposes of this classification. The variant was absent in 21694 control chromosomes. The available data on variant occurrences in the general population are insufficient to allow any conclusion about variant significance. To our knowledge, no occurrence of c.(?_-228)_(*1565_?)dup in individuals affected with PDYN-related conditions and no experimental evidence demonstrating its impact on protein function have been reported. ClinVar contains an entry for this variant (Variation ID: 2422855). Based on the evidence outlined above, the variant was classified as uncertain significance.